The following is an entry in ClinVar:

NM_002471.4(MYH6):c.2747A>G (p.Gln916Arg)

Gene: MYH6 (myosin heavy chain 6; minus strand). Cytogenetic location: 14q11.2.
Variant type: single nucleotide variant.
Coding change: c.2747A>G on transcript NM_002471.4 (MANE Select); coding-DNA position 2747, A replaced by G.
Protein change: p.Gln916Arg; replaces glutamine 916 with arginine.
Molecular consequence: missense variant.
Genome position (GRCh38, 1-based): chr14:23,393,847, T>C on the plus strand (A>G on the coding strand, the complement: MYH6 is on the minus strand). VCF-style: chr14-23393847-T-C. GRCh37 (hg19) VCF-style: chr14-23863056-T-C.
Other names: short protein forms Q916R.
Identifiers: ClinVar variation 1795493 (VCV001795493.2), dbSNP rs2502170731, ClinGen allele CA389013005.

ClinVar aggregate classification (germline): Uncertain significance (1 of 4 stars; one submission).

Conditions:
Cardiovascular phenotype. Identifiers: MedGen CN230736.

Submission:

Ambry Genetics
Classification: Uncertain significance for Cardiovascular phenotype. Last evaluated: 2022-06-19. Review status: criteria provided, single submitter. Criteria: Ambry Variant Classification Scheme 2023. Collection method: clinical testing. Allele origin: germline.
Comment: The p.Q916R variant (also known as c.2747A>G), located in coding exon 20 of the MYH6 gene, results from an A to G substitution at nucleotide position 2747. The glutamine at codon 916 is replaced by arginine, an amino acid with highly similar properties. This amino acid position is conserved. In addition, the in silico prediction for this alteration is inconclusive. Since supporting evidence is limited at this time, the clinical significance of this alteration remains unclear.